The following is an entry in ClinVar:

NM_006059.4(LAMC3):c.1931_1932delinsAT (p.Ser644Asn)

Gene: LAMC3 (laminin subunit gamma 3; plus strand). Cytogenetic location: 9q34.12.
Variant type: Indel.
Coding change: c.1931_1932delinsAT on transcript NM_006059.4 (MANE Select); coding-DNA positions 1931 to 1932, GC replaced by AT.
Protein change: p.Ser644Asn; replaces serine 644 with asparagine.
Molecular consequence: missense variant.
Genome position (GRCh38, 1-based): chr9:131,052,957-131,052,958, GC replaced by AT. VCF-style: chr9-131052957-GC-AT. GRCh37 (hg19) VCF-style: chr9-133928344-GC-AT.
Other names: short protein forms S644N.
Identifiers: ClinVar variation 2072593 (VCV002072593.4), dbSNP rs2490757565, ClinGen allele CA2580079826.

ClinVar aggregate classification (germline): Uncertain significance (1 of 4 stars; one submission).

Submission:

Labcorp Genetics (formerly Invitae), Labcorp
Classification: Uncertain significance. Last evaluated: 2022-01-03. Review status: criteria provided, single submitter. Criteria: Invitae Variant Classification Sherloc (09022015). Collection method: clinical testing. Allele origin: germline.
Comment: In summary, the available evidence is currently insufficient to determine the role of this variant in disease. Therefore, it has been classified as a Variant of Uncertain Significance. Algorithms developed to predict the effect of missense changes on protein structure and function are either unavailable or do not agree on the potential impact of this missense change (SIFT: "Not Available"; PolyPhen-2: "Benign"; Align-GVGD: "Not Available"). This variant has not been reported in the literature in individuals affected with LAMC3-related conditions. Information on the frequency of this variant in the gnomAD database is not available, as this variant may be reported differently in the database. This sequence change replaces serine, which is neutral and polar, with asparagine, which is neutral and polar, at codon 644 of the LAMC3 protein (p.Ser644Asn).